The following is an entry in ClinVar:

NM_006295.3(VARS1):c.1341G>T (p.Met447Ile)

Gene: VARS1 (valyl-tRNA synthetase 1; minus strand). Cytogenetic location: 6p21.33.
Variant type: single nucleotide variant.
Coding change: c.1341G>T on transcript NM_006295.3 (MANE Select); coding-DNA position 1341, G replaced by T.
Protein change: p.Met447Ile; replaces methionine 447 with isoleucine.
Molecular consequence: missense variant.
Genome position (GRCh38, 1-based): chr6:31,785,252, C>A on the plus strand (G>T on the coding strand, the complement: VARS1 is on the minus strand). VCF-style: chr6-31785252-C-A. GRCh37 (hg19) VCF-style: chr6-31753029-C-A.
Other names: short protein forms M447I.
Identifiers: ClinVar variation 828121 (VCV000828121.3), dbSNP rs1581645904, ClinGen allele CA363468957.

ClinVar aggregate classification (germline): Conflicting classifications of pathogenicity. Review status: criteria provided, conflicting classifications (1 of 4 stars). 3 submissions from 3 submitters: Likely pathogenic (1); Uncertain significance (1). 1 of the submissions does not count toward it. Last evaluated 2024-03-26.

Conditions:
Neurodevelopmental disorder with microcephaly, seizures, and cortical atrophy. Identifiers: MedGen C4540493, MONDO:0060621, OMIM 617802.

gnomAD v4.1: 1 of 1,613,086 alleles (0.000062%); highest among the groups gnomAD compares: African/African-American, 0.0013%; no homozygotes.

Submissions (3):

Genomic Medicine Center of Excellence, King Faisal Specialist Hospital and Research Centre
Classification: Likely pathogenic for Neurodevelopmental disorder with microcephaly, seizures, and cortical atrophy. Last evaluated: 2024-03-26. Review status: criteria provided, single submitter. Criteria: ACMG Guidelines, 2015. Collection method: clinical testing. Allele origin: germline.

Baylor Genetics
Classification: Uncertain significance for Neurodevelopmental disorder with microcephaly, seizures, and cortical atrophy. Last evaluated: 2020-05-05. Review status: criteria provided, single submitter. Criteria: ACMG Guidelines, 2015. Collection method: clinical testing. Allele origin: unknown. Affected: yes.
Comment: This variant was determined to be of uncertain significance according to ACMG Guidelines, 2015 [PMID:25741868].

Biochemical Molecular Genetic Laboratory, King Abdulaziz Medical City
Classification: Uncertain significance for Neurodevelopmental disorder with microcephaly, seizures, and cortical atrophy. Last evaluated: 2020-02-05. Review status: no assertion criteria provided. Collection method: clinical testing. Allele origin: germline. Affected: yes. Not counted in ClinVar's aggregate classification.